The following is an entry in ClinVar:

NM_021096.4(CACNA1I):c.5477G>C (p.Gly1826Ala)

Gene: CACNA1I (calcium voltage-gated channel subunit alpha1 I; plus strand). Cytogenetic location: 22q13.1.
Variant type: single nucleotide variant.
Coding change: c.5477G>C on transcript NM_021096.4 (MANE Select); coding-DNA position 5477, G replaced by C.
Protein change: p.Gly1826Ala; replaces glycine 1826 with alanine.
Molecular consequence: missense variant.
Genome position (GRCh38, 1-based): chr22:39,679,804, G>C. VCF-style: chr22-39679804-G-C. GRCh37 (hg19) VCF-style: chr22-40075809-G-C.
Other names: c.5372G>C, p.Gly1791Ala (NM_001003406.2); short protein forms G1791A, G1826A.
Identifiers: ClinVar variation 4535584 (VCV004535584.1).
Genomic context (GRCh38, chr22:39,679,804, plus strand): 5'-TCTCTTTAATCATCAAGGACTCCTTGGAGGGGGAGCTGACCATCATCGACAACCTGTCGG[G>C]CTCCATCTTCCACCACTACTCCTCGCCTGCCGGCTGCAAGAAGTGTCACCACGACAAGCA-3'
Protein context (NP_066919.2, residues 1816-1836): GELTIIDNLS[Gly1826Ala]SIFHHYSSPA

ClinVar aggregate classification (germline): Uncertain significance (1 of 4 stars; one submission).

gnomAD v4.1: 2 of 1,613,016 alleles (0.00012%); highest among the groups gnomAD compares: East Asian, 0.0022%; no homozygotes.

Submission:

Women's Health and Genetics/Laboratory Corporation of America, LabCorp
Classification: Uncertain significance. Last evaluated: 2025-09-11. Review status: criteria provided, single submitter. Criteria: LabCorp Variant Classification Summary - May 2015. Collection method: clinical testing. Allele origin: germline.
Comment: Variant summary: CACNA1I c.5477G>C (p.Gly1826Ala) results in a non-conservative amino acid change in the encoded protein sequence. Algorithms developed to predict the effect of missense changes on protein structure and function all suggest that this variant is likely to be disruptive. The variant allele was found at a frequency of 4e-06 in 247018 control chromosomes. The available data on variant occurrences in the general population are insufficient to allow any conclusion about variant significance. To our knowledge, no occurrence of c.5477G>C in individuals affected with CACNA1I-related conditions and no experimental evidence demonstrating its impact on protein function have been reported. No submitters have cited clinical-significance assessments for this variant to ClinVar. Based on the evidence outlined above, the variant was classified as uncertain significance.